The following is an entry in ClinVar:

NM_001254.4(CDC6):c.975A>T (p.Arg325Ser)

Gene: CDC6 (cell division cycle 6; plus strand). Cytogenetic location: 17q21.2.
Variant type: single nucleotide variant.
Coding change: c.975A>T on transcript NM_001254.4 (MANE Select); coding-DNA position 975, A replaced by T.
Protein change: p.Arg325Ser; replaces arginine 325 with serine.
Molecular consequence: missense variant.
Genome position (GRCh38, 1-based): chr17:40,294,395, A>T. VCF-style: chr17-40294395-A-T. GRCh37 (hg19) VCF-style: chr17-38450647-A-T.
Other names: c.975A>T (NM_001254.3); short protein forms R325S.
Identifiers: ClinVar variation 2852824 (VCV002852824.4), dbSNP rs2544139043, ClinGen allele CA399330631.
Genomic context (GRCh38, chr17:40,294,395, plus strand): 5'-ATGATCAATGTTGTTGATCTCCTCCTTAGGTATTGCTAATACCCTGGATCTCACAGATAG[A>T]ATTCTACCTAGGCTTCAAGCTAGAGAAAAATGTAAGCCACAGCTGTTGAACTTCCCACCT-3'
Protein context (NP_001245.1, residues 315-335): GIANTLDLTD[Arg325Ser]ILPRLQAREK

ClinVar aggregate classification (germline): Uncertain significance. Review status: criteria provided, multiple submitters, no conflicts (2 of 4 stars). 2 submissions from 2 submitters: Uncertain significance (2). Last evaluated 2025-12-04.

Allele frequency attached by ClinVar (database versions not stated): gnomAD exomes below 0.00001.
gnomAD v4.1: 1 of 1,609,580 alleles (0.000062%); highest among the groups gnomAD compares: Admixed American, 0.0017%; no homozygotes.

Submissions (2):

Ambry Genetics
Classification: Uncertain significance. Last evaluated: 2025-12-04. Review status: criteria provided, single submitter. Criteria: Ambry Variant Classification Scheme 2023. Collection method: clinical testing. Allele origin: germline.

Labcorp Genetics (formerly Invitae), Labcorp
Classification: Uncertain significance. Last evaluated: 2023-10-24. Review status: criteria provided, single submitter. Criteria: Invitae Variant Classification Sherloc (09022015). Collection method: clinical testing. Allele origin: germline.
Comment: This sequence change replaces arginine, which is basic and polar, with serine, which is neutral and polar, at codon 325 of the CDC6 protein (p.Arg325Ser). This variant is not present in population databases (gnomAD no frequency). This variant has not been reported in the literature in individuals affected with CDC6-related conditions. An algorithm developed to predict the effect of missense changes on protein structure and function (PolyPhen-2) suggests that this variant is likely to be disruptive. In summary, the available evidence is currently insufficient to determine the role of this variant in disease. Therefore, it has been classified as a Variant of Uncertain Significance.